The following is an entry in ClinVar:

NM_000587.4(C7):c.1037T>C (p.Val346Ala)

Gene: C7 (complement C7; plus strand). Cytogenetic location: 5p13.1.
Variant type: single nucleotide variant.
Coding change: c.1037T>C on transcript NM_000587.4 (MANE Select); coding-DNA position 1037, T replaced by C.
Protein change: p.Val346Ala; replaces valine 346 with alanine.
Molecular consequence: missense variant.
Genome position (GRCh38, 1-based): chr5:40,949,958, T>C. VCF-style: chr5-40949958-T-C. GRCh37 (hg19) VCF-style: chr5-40950060-T-C.
Other names: short protein forms V346A.
Identifiers: ClinVar variation 2755348 (VCV002755348.3), dbSNP rs2478200452, ClinGen allele CA359584241.

ClinVar aggregate classification (germline): Uncertain significance (1 of 4 stars; one submission).

Submission:

Labcorp Genetics (formerly Invitae), Labcorp
Classification: Uncertain significance. Last evaluated: 2023-08-27. Review status: criteria provided, single submitter. Criteria: Invitae Variant Classification Sherloc (09022015). Collection method: clinical testing. Allele origin: germline.
Comment: In summary, the available evidence is currently insufficient to determine the role of this variant in disease. Therefore, it has been classified as a Variant of Uncertain Significance. Advanced modeling of protein sequence and biophysical properties (such as structural, functional, and spatial information, amino acid conservation, physicochemical variation, residue mobility, and thermodynamic stability) performed at Invitae indicates that this missense variant is not expected to disrupt C7 protein function. This variant has not been reported in the literature in individuals affected with C7-related conditions. This variant is not present in population databases (gnomAD no frequency). This sequence change replaces valine, which is neutral and non-polar, with alanine, which is neutral and non-polar, at codon 346 of the C7 protein (p.Val346Ala).